The following is an entry in ClinVar:

NM_001042492.3(NF1):c.876C>A (p.Asn292Lys)

Gene: NF1 (neurofibromin 1; plus strand). Cytogenetic location: 17q11.2.
Variant type: single nucleotide variant.
Coding change: c.876C>A on transcript NM_001042492.3 (MANE Select); coding-DNA position 876, C replaced by A.
Protein change: p.Asn292Lys; replaces asparagine 292 with lysine.
Molecular consequence: missense variant.
Genome position (GRCh38, 1-based): chr17:31,182,653, C>A. VCF-style: chr17-31182653-C-A. GRCh37 (hg19) VCF-style: chr17-29509671-C-A.
Other names: c.876C>A, p.Asn292Lys (NM_000267.4, NM_001128147.3); short protein forms N292K.
Identifiers: ClinVar variation 4119081 (VCV004119081.1).

ClinVar aggregate classification (germline): Uncertain significance (1 of 4 stars; one submission).

Conditions:
Cardiovascular phenotype. Identifiers: MedGen CN230736.
Hereditary cancer-predisposing syndrome. Also called: Hereditary neoplastic syndrome; Neoplastic Syndromes, Hereditary; Tumor predisposition; Hereditary Cancer Syndrome. Identifiers: Orphanet 140162, MedGen C0027672, MeSH D009386, MONDO:0015356.

Submission:

Ambry Genetics
Classification: Uncertain significance for Cardiovascular phenotype; Hereditary cancer-predisposing syndrome. Last evaluated: 2025-07-01. Review status: criteria provided, single submitter. Criteria: Ambry Variant Classification Scheme 2023. Collection method: clinical testing. Allele origin: germline.
Comment: The p.N292K variant (also known as c.876C>A), located in coding exon 8 of the NF1 gene, results from a C to A substitution at nucleotide position 876. The asparagine at codon 292 is replaced by lysine, an amino acid with similar properties. This amino acid position is conserved. In addition, this alteration is predicted to be tolerated by in silico analysis. Based on the available evidence, the clinical significance of this variant remains unclear.